The following is an entry in ClinVar:

ClinVar aggregate classification (germline): Benign/Likely benign. Review status: criteria provided, multiple submitters, no conflicts (2 of 4 stars). 3 submissions from 3 submitters: Benign (1); Likely benign (2). Last evaluated 2026-01-20.

Conditions:
Ullrich congenital muscular dystrophy 2 (UCMD2). Identifiers: Orphanet 75840, MedGen C4225314, MONDO:0014654, OMIM 616470.
Bethlem myopathy 2 (BTHLM2). Identifiers: Orphanet 536516, Orphanet 610, MedGen C4225313, MONDO:0034022, OMIM 616471.

Allele frequency attached by ClinVar (database versions not stated): gnomAD 0.00009 and 0.00010; ESP Exome Variant Server 0.00017; TOPMed 0.00010; ExAC 0.00019; gnomAD exomes 0.00020.
gnomAD v4.1: 173 of 1,613,064 alleles (0.011%); highest among the groups gnomAD compares: Admixed American, 0.0033%; no homozygotes.

Submissions (3):

Women's Health and Genetics/Laboratory Corporation of America, LabCorp
Classification: Likely benign. Last evaluated: 2026-01-20. Review status: criteria provided, single submitter. Criteria: LabCorp Variant Classification Summary - May 2015. Collection method: clinical testing. Allele origin: germline.

Labcorp Genetics (formerly Invitae), Labcorp
Classification: Benign for Bethlem myopathy 2; Ullrich congenital muscular dystrophy 2. Last evaluated: 2025-10-13. Review status: criteria provided, single submitter. Criteria: Invitae Variant Classification Sherloc (09022015). Collection method: clinical testing. Allele origin: germline.

CeGaT Center for Human Genetics Tuebingen
Classification: Likely benign. Last evaluated: 2024-01-01. Review status: criteria provided, single submitter. Criteria: CeGaT Center For Human Genetics Tuebingen Variant Classification Criteria Version 2. Collection method: clinical testing. Allele origin: germline. Affected: yes. Observed: 2 variant alleles.
Comment: COL12A1: BP4, BP7

NM_004370.6(COL12A1):c.732G>A (p.Val244=)

Gene: COL12A1 (collagen type XII alpha 1 chain; minus strand). Cytogenetic location: 6q13.
Variant type: single nucleotide variant.
Coding change: c.732G>A on transcript NM_004370.6 (MANE Select); coding-DNA position 732, G replaced by A.
Protein change: p.Val244=; no amino-acid change (valine 244 retained).
Molecular consequence: synonymous variant. On other transcripts: intron variant (1).
Genome position (GRCh38, 1-based): chr6:75,189,308, C>T on the plus strand (G>A on the coding strand, the complement: COL12A1 is on the minus strand). VCF-style: chr6-75189308-C-T. GRCh37 (hg19) VCF-style: chr6-75899024-C-T.
Other names: c.73+13412G>A (NM_080645.3).
Identifiers: ClinVar variation 772402 (VCV000772402.36), dbSNP rs200141559, ClinGen allele CA3894362.